The following is an entry in ClinVar:

ClinVar aggregate classification (germline): Uncertain significance (1 of 4 stars; one submission).

Conditions:
Intellectual developmental disorder, autosomal dominant 1. Also called: MBD5 Haploinsufficiency; Intellectual disability, autosomal dominant 1. Identifiers: Orphanet 228402, MedGen C1969562, MONDO:0007974, OMIM 156200.

Submission:

Labcorp Genetics (formerly Invitae), Labcorp
Classification: Uncertain significance for Intellectual developmental disorder, autosomal dominant 1. Last evaluated: 2022-06-27. Review status: criteria provided, single submitter. Criteria: Invitae Variant Classification Sherloc (09022015). Collection method: clinical testing. Allele origin: germline.
Comment: In summary, the available evidence is currently insufficient to determine the role of this variant in disease. Therefore, it has been classified as a Variant of Uncertain Significance. Algorithms developed to predict the effect of missense changes on protein structure and function are either unavailable or do not agree on the potential impact of this missense change (SIFT: "Deleterious"; PolyPhen-2: "Possibly Damaging"; Align-GVGD: "Class C0"). This variant has not been reported in the literature in individuals affected with MBD5-related conditions. This variant is not present in population databases (gnomAD no frequency). This sequence change replaces alanine, which is neutral and non-polar, with proline, which is neutral and non-polar, at codon 481 of the MBD5 protein (p.Ala481Pro).

NM_001378120.1(MBD5):c.1441G>C (p.Ala481Pro)

Gene: MBD5 (methyl-CpG binding domain protein 5; plus strand). Cytogenetic location: 2q23.1.
Variant type: single nucleotide variant.
Coding change: c.1441G>C on transcript NM_001378120.1 (MANE Select); coding-DNA position 1441, G replaced by C.
Protein change: p.Ala481Pro; replaces alanine 481 with proline.
Molecular consequence: missense variant.
Genome position (GRCh38, 1-based): chr2:148,469,384, G>C. VCF-style: chr2-148469384-G-C. GRCh37 (hg19) VCF-style: chr2-149226953-G-C.
Other names: c.1441G>C, p.Ala481Pro (NM_018328.5); short protein forms A481P.
Identifiers: ClinVar variation 1997418 (VCV001997418.4), dbSNP rs2469865206, ClinGen allele CA348719696.